The following is an entry in ClinVar:

ClinVar aggregate classification (germline): Uncertain significance (1 of 4 stars; one submission).

Conditions:
Cystic fibrosis (CF). Also called: MUCOVISCIDOSIS. Identifiers: Orphanet 586, MedGen C0010674, MONDO:0009061, OMIM 219700. Disease mechanism: loss of function.

Submission:

Ambry Genetics
Classification: Uncertain significance for Cystic fibrosis. Last evaluated: 2024-05-30. Review status: criteria provided, single submitter. Criteria: Ambry Variant Classification Scheme 2023. Collection method: clinical testing. Allele origin: germline.
Comment: The p.K503T variant (also known as c.1508A>C), located in coding exon 11 of the CFTR gene, results from an A to C substitution at nucleotide position 1508. The lysine at codon 503 is replaced by threonine, an amino acid with similar properties. This amino acid position is conserved. In addition, this alteration is predicted to be deleterious by in silico analysis. Based on the available evidence, the clinical significance of this variant remains unclear.

NM_000492.4(CFTR):c.1508A>C (p.Lys503Thr)

Genes: CFTR (CF transmembrane conductance regulator; plus strand), CFTR-AS1 (CFTR antisense RNA 1; minus strand). Cytogenetic location: 7q31.2.
Variant type: single nucleotide variant.
Coding change: c.1508A>C on transcript NM_000492.4 (MANE Select); coding-DNA position 1508, A replaced by C.
Protein change: p.Lys503Thr; replaces lysine 503 with threonine.
Molecular consequence: missense variant.
Genome position (GRCh38, 1-based): chr7:117,559,579, A>C. VCF-style: chr7-117559579-A-C. GRCh37 (hg19) VCF-style: chr7-117199633-A-C.
Other names: short protein forms K503T.
Identifiers: ClinVar variation 3266692 (VCV003266692.1).